The following is an entry in ClinVar:

NM_001384900.1(SEMA3D):c.1761C>T (p.Ile587=)

Gene: SEMA3D (semaphorin 3D; minus strand). Cytogenetic location: 7q21.11.
Variant type: single nucleotide variant.
Coding change: c.1761C>T on transcript NM_001384900.1 (MANE Select); coding-DNA position 1761, C replaced by T.
Protein change: p.Ile587=; no amino-acid change (isoleucine 587 retained).
Molecular consequence: synonymous variant.
Genome position (GRCh38, 1-based): chr7:85,012,789, G>A on the plus strand (C>T on the coding strand, the complement: SEMA3D is on the minus strand). VCF-style: chr7-85012789-G-A. GRCh37 (hg19) VCF-style: chr7-84642105-G-A.
Other names: c.1761C>T, p.Ile587= (NM_001384901.1, NM_001384902.1, NM_001384903.1 and 1 more transcripts).
Identifiers: ClinVar variation 3350374 (VCV003350374.1).

ClinVar aggregate classification (germline): Likely benign (0 of 4 stars; one submission).

Conditions:
SEMA3D-related disorder. Also called: SEMA3D-related condition.

gnomAD v4.1: 7 of 1,609,328 alleles (0.00043%); highest among the groups gnomAD compares: East Asian, 0.0067%; no homozygotes.

Submission:

PreventionGenetics, part of Exact Sciences
Classification: Likely benign for SEMA3D-related condition. Last evaluated: 2024-03-14. Review status: no assertion criteria provided. Collection method: clinical testing. Allele origin: germline.
Comment: This variant is classified as likely benign based on ACMG/AMP sequence variant interpretation guidelines (Richards et al. 2015 PMID: 25741868, with internal and published modifications).